The following is an entry in ClinVar:

ClinVar aggregate classification (germline): Uncertain significance. Review status: criteria provided, multiple submitters, no conflicts (2 of 4 stars). 2 submissions from 2 submitters: Uncertain significance (2). Last evaluated 2026-06-12.

Allele frequency attached by ClinVar (database versions not stated): TOPMed 0.00001; gnomAD 0.00003; ExAC 0.00002; ESP Exome Variant Server 0.00015.
gnomAD v4.1: 12 of 1,614,070 alleles (0.00074%); highest among the groups gnomAD compares: African/African-American, 0.004%; no homozygotes.

Submissions (2):

Women's Health and Genetics/Laboratory Corporation of America, LabCorp
Classification: Uncertain significance. Last evaluated: 2026-06-12. Review status: criteria provided, single submitter. Criteria: LabCorp Variant Classification Summary - May 2015. Collection method: clinical testing. Allele origin: germline.
Comment: Variant summary: PPM1D c.1202A>T (p.Tyr401Phe) results in a conservative amino acid change in the encoded protein sequence. Algorithms developed to predict the effect of missense changes on protein structure and function all suggest that this variant is likely to be tolerated. The variant allele was found at a frequency of 4e-06 in 251392 control chromosomes. The available data on variant occurrences in the general population are insufficient to allow any conclusion about variant significance. To our knowledge, no occurrence of c.1202A>T in individuals affected with PPM1D-related conditions and no experimental evidence demonstrating its impact on protein function have been reported. ClinVar contains an entry for this variant (Variation ID: 2979754). Based on the evidence outlined above, the variant was classified as uncertain significance.

Labcorp Genetics (formerly Invitae), Labcorp
Classification: Uncertain significance. Last evaluated: 2023-03-16. Review status: criteria provided, single submitter. Criteria: Invitae Variant Classification Sherloc (09022015). Collection method: clinical testing. Allele origin: germline.
Comment: This sequence change replaces tyrosine, which is neutral and polar, with phenylalanine, which is neutral and non-polar, at codon 401 of the PPM1D protein (p.Tyr401Phe). This variant is present in population databases (rs140305993, gnomAD 0.01%). In summary, the available evidence is currently insufficient to determine the role of this variant in disease. Therefore, it has been classified as a Variant of Uncertain Significance. An algorithm developed to predict the effect of missense changes on protein structure and function (PolyPhen-2) suggests that this variant is likely to be tolerated. This variant has not been reported in the literature in individuals affected with PPM1D-related conditions.

NM_003620.4(PPM1D):c.1202A>T (p.Tyr401Phe)

Gene: PPM1D (protein phosphatase, Mg2+/Mn2+ dependent 1D; plus strand). Cytogenetic location: 17q23.2.
Variant type: single nucleotide variant.
Coding change: c.1202A>T on transcript NM_003620.4 (MANE Select); coding-DNA position 1202, A replaced by T.
Protein change: p.Tyr401Phe; replaces tyrosine 401 with phenylalanine.
Molecular consequence: missense variant.
Genome position (GRCh38, 1-based): chr17:60,656,783, A>T. VCF-style: chr17-60656783-A-T. GRCh37 (hg19) VCF-style: chr17-58734144-A-T.
Other names: short protein forms Y401F.
Identifiers: ClinVar variation 2979754 (VCV002979754.4), dbSNP rs140305993, ClinGen allele CA8687684.